The following is an entry in ClinVar:

NM_000334.4(SCN4A):c.794C>A (p.Ala265Glu)

Gene: SCN4A (sodium voltage-gated channel alpha subunit 4; minus strand). Cytogenetic location: 17q23.3.
Variant type: single nucleotide variant.
Coding change: c.794C>A on transcript NM_000334.4 (MANE Select); coding-DNA position 794, C replaced by A.
Protein change: p.Ala265Glu; replaces alanine 265 with glutamic acid.
Molecular consequence: missense variant.
Genome position (GRCh38, 1-based): chr17:63,968,265, G>T on the plus strand (C>A on the coding strand, the complement: SCN4A is on the minus strand). VCF-style: chr17-63968265-G-T. GRCh37 (hg19) VCF-style: chr17-62045625-G-T.
Other names: short protein forms A265E.
Identifiers: ClinVar variation 805401 (VCV000805401.4), dbSNP rs749502925, ClinGen allele CA8710037.

ClinVar aggregate classification (germline): Uncertain significance. Review status: criteria provided, multiple submitters, no conflicts (2 of 4 stars). 3 submissions from 3 submitters: Uncertain significance (3). Last evaluated 2024-12-04.

Conditions:
Hyperkalemic periodic paralysis. Also called: Familial hyperkalemic periodic paralysis; Gamstorp disease. Identifiers: Orphanet 682, MedGen C0238357, MONDO:0008224, OMIM 170500, HP:0007215.

Allele frequency attached by ClinVar (database versions not stated): TOPMed below 0.00001.
gnomAD v4.1: 2 of 1,613,956 alleles (0.00012%); highest among the groups gnomAD compares: Non-Finnish European, 0.00017%; no homozygotes.

Submissions (3):

Labcorp Genetics (formerly Invitae), Labcorp
Classification: Uncertain significance for Hyperkalemic periodic paralysis. Last evaluated: 2024-12-04. Review status: criteria provided, single submitter. Criteria: Invitae Variant Classification Sherloc (09022015). Collection method: clinical testing. Allele origin: germline.
Comment: This sequence change replaces alanine, which is neutral and non-polar, with glutamic acid, which is acidic and polar, at codon 265 of the SCN4A protein (p.Ala265Glu). This variant is present in population databases (rs749502925, gnomAD 0.0009%). This variant has not been reported in the literature in individuals affected with SCN4A-related conditions. ClinVar contains an entry for this variant (Variation ID: 805401). Invitae Evidence Modeling of protein sequence and biophysical properties (such as structural, functional, and spatial information, amino acid conservation, physicochemical variation, residue mobility, and thermodynamic stability) indicates that this missense variant is expected to disrupt SCN4A protein function with a positive predictive value of 95%. In summary, the available evidence is currently insufficient to determine the role of this variant in disease. Therefore, it has been classified as a Variant of Uncertain Significance.

GeneDx
Classification: Uncertain significance. Last evaluated: 2024-09-09. Review status: criteria provided, single submitter. Criteria: GeneDx Variant Classification Process June 2021. Collection method: clinical testing. Allele origin: germline. Affected: yes.
Comment: Not observed at significant frequency in large population cohorts (gnomAD); In silico analysis supports that this missense variant has a deleterious effect on protein structure/function; Has not been previously published as pathogenic or benign to our knowledge

Athena Diagnostics
Classification: Uncertain significance. Last evaluated: 2018-11-07. Review status: criteria provided, single submitter. Criteria: Athena Diagnostics Criteria. Collection method: clinical testing. Allele origin: germline.